The following is an entry in ClinVar:

NM_198576.4(AGRN):c.1999+6C>G

Gene: AGRN (agrin; plus strand). Cytogenetic location: 1p36.33.
Variant type: single nucleotide variant.
Coding change: c.1999+6C>G on transcript NM_198576.4 (MANE Select); 6 bases into the intron after coding-DNA position 1999, C replaced by G.
Molecular consequence: intron variant.
Genome position (GRCh38, 1-based): chr1:1,044,029, C>G. VCF-style: chr1-1044029-C-G. GRCh37 (hg19) VCF-style: chr1-979409-C-G.
Other names: c.1999+6C>G (NM_001305275.2); c.1684+6C>G (NM_001364727.2).
Identifiers: ClinVar variation 648510 (VCV000648510.4), dbSNP rs747508825, ClinGen allele CA16754657.
Genomic context (GRCh38, chr1:1,044,029, plus strand): 5'-GCCTGCCTCCAGCAGACACAGATCGAGGAGGCCCGGGCAGGGCCGTGCGAGCAGGGTAGG[C>G]CGGGGGACGCTGGCGAAAACTGCTGGGCTCTGGCTTTGGACAAGAAGCCCCTGGGTGACT-3'

ClinVar aggregate classification (germline): Uncertain significance (1 of 4 stars; one submission).

Conditions:
Congenital myasthenic syndrome 8. Also called: MYASTHENIC SYNDROME, CONGENITAL, DUE TO AGRIN DEFICIENCY; Myasthenic syndrome, congenital, 8, with pre- and postsynaptic defects. Identifiers: Orphanet 590, MedGen C3808739, MONDO:0014052, OMIM 615120.

Allele frequency attached by ClinVar (database versions not stated): gnomAD 0.00001; TOPMed below 0.00001.
gnomAD v4.1: 7 of 1,610,278 alleles (0.00043%); highest among the groups gnomAD compares: Admixed American, 0.0017%; no homozygotes.

Submission:

Labcorp Genetics (formerly Invitae), Labcorp
Classification: Uncertain significance for Congenital myasthenic syndrome 8. Last evaluated: 2022-08-15. Review status: criteria provided, single submitter. Criteria: Invitae Variant Classification Sherloc (09022015). Collection method: clinical testing. Allele origin: germline.
Comment: This sequence change falls in intron 10 of the AGRN gene. It does not directly change the encoded amino acid sequence of the AGRN protein. It affects a nucleotide within the consensus splice site. This variant is present in population databases (no rsID available, gnomAD 0.003%). This variant has not been reported in the literature in individuals affected with AGRN-related conditions. ClinVar contains an entry for this variant (Variation ID: 648510). Variants that disrupt the consensus splice site are a relatively common cause of aberrant splicing (PMID: 17576681, 9536098). Algorithms developed to predict the effect of sequence changes on RNA splicing suggest that this variant is not likely to affect RNA splicing. In summary, the available evidence is currently insufficient to determine the role of this variant in disease. Therefore, it has been classified as a Variant of Uncertain Significance.

Literature cited by the submitters: PubMed 17576681; PubMed 9536098.